The following is an entry in ClinVar:

NM_002047.4(GARS1):c.1068T>A (p.Asp356Glu)

Gene: GARS1 (glycyl-tRNA synthetase 1; plus strand). Cytogenetic location: 7p14.3.
Variant type: single nucleotide variant.
Coding change: c.1068T>A on transcript NM_002047.4 (MANE Select); coding-DNA position 1068, T replaced by A.
Protein change: p.Asp356Glu; replaces aspartic acid 356 with glutamic acid.
Molecular consequence: missense variant.
Genome position (GRCh38, 1-based): chr7:30,615,932, T>A. VCF-style: chr7-30615932-T-A. GRCh37 (hg19) VCF-style: chr7-30655548-T-A.
Other names: c.906T>A, p.Asp302Glu (NM_001316772.1); short protein forms D302E, D356E.
Identifiers: ClinVar variation 1680925 (VCV001680925.8), dbSNP rs1344399581, ClinGen allele CA367126008.

ClinVar aggregate classification (germline): Uncertain significance (1 of 4 stars; one submission).

Conditions:
Charcot-Marie-Tooth disease type 2. Also called: Charcot-Marie-Tooth type 2. Identifiers: Orphanet 64746, MedGen C0270914, MONDO:0018993.

Allele frequency attached by ClinVar (database versions not stated): TOPMed below 0.00001.
gnomAD v4.1: 1 of 1,614,194 alleles (0.000062%); highest among the groups gnomAD compares: South Asian, 0.0011%; no homozygotes.

Submission:

Labcorp Genetics (formerly Invitae), Labcorp
Classification: Uncertain significance for Charcot-Marie-Tooth disease type 2. Last evaluated: 2022-07-12. Review status: criteria provided, single submitter. Criteria: Invitae Variant Classification Sherloc (09022015). Collection method: clinical testing. Allele origin: germline.
Comment: In summary, the available evidence is currently insufficient to determine the role of this variant in disease. Therefore, it has been classified as a Variant of Uncertain Significance. Algorithms developed to predict the effect of missense changes on protein structure and function (SIFT, PolyPhen-2, Align-GVGD) all suggest that this variant is likely to be disruptive. ClinVar contains an entry for this variant (Variation ID: 1680925). This variant has not been reported in the literature in individuals affected with GARS-related conditions. This variant is not present in population databases (gnomAD no frequency). This sequence change replaces aspartic acid, which is acidic and polar, with glutamic acid, which is acidic and polar, at codon 356 of the GARS protein (p.Asp356Glu).